The following is an entry in ClinVar:

ClinVar aggregate classification (germline): Likely benign (0 of 4 stars; one submission).

Conditions:
TRPA1-related disorder. Also called: TRPA1-related condition.

Submission:

PreventionGenetics, part of Exact Sciences
Classification: Likely benign for TRPA1-related condition. Last evaluated: 2021-04-08. Review status: no assertion criteria provided. Collection method: clinical testing. Allele origin: germline.
Comment: This variant is classified as likely benign based on ACMG/AMP sequence variant interpretation guidelines (Richards et al. 2015 PMID: 25741868, with internal and published modifications).

NM_007332.3(TRPA1):c.1094-3dup

Gene: TRPA1 (transient receptor potential cation channel subfamily A member 1; minus strand). Cytogenetic location: 8q21.11.
Variant type: Duplication.
Coding change: c.1094-3dup on transcript NM_007332.3 (MANE Select); 3 bases into the intron before coding-DNA position 1094, one base duplicated (T; older notation c.1094-3dupT).
Molecular consequence: intron variant.
Genome position (GRCh38, 1-based): chr8:72,057,020, A duplicated on the plus strand (T on the coding strand, the reverse complement: TRPA1 is on the minus strand); the first of 9 consecutive A bases (chr8:72,057,020-72,057,028); duplicating any one gives the same sequence. VCF-style (leftmost placement, unchanged base first): chr8-72057019-T-TA. GRCh37 (hg19) VCF-style: chr8-72969254-T-TA.
Identifiers: ClinVar variation 3048313 (VCV003048313.2), dbSNP rs751559676, ClinGen allele CA4780998.